The following is an entry in ClinVar:

ClinVar aggregate classification (germline): Uncertain significance (1 of 4 stars; one submission).

gnomAD v4.1: 86 of 741,582 alleles (0.012%); highest among the groups gnomAD compares: Non-Finnish European, 0.019%; no homozygotes.

Submission:

Dasa
Classification: Uncertain significance. Last evaluated: 2025-12-24. Review status: criteria provided, single submitter. Criteria: DASA Assertion Criteria. Collection method: clinical testing. Allele origin: germline.
Comment: NM_002076.4(GNS):c.526-83A>C is an intronic variant. This variant is rare in population databases. The currently available literature and clinical evidence are not sufficient to establish a definitive association between this variant and the reported condition. Therefore, this variant is classified as a variant of uncertain significance.

NM_002076.4(GNS):c.526-83A>C

Gene: GNS (glucosamine (N-acetyl)-6-sulfatase; minus strand). Cytogenetic location: 12q14.3.
Variant type: single nucleotide variant.
Coding change: c.526-83A>C on transcript NM_002076.4 (MANE Select); 83 bases into the intron before coding-DNA position 526, A replaced by C.
Molecular consequence: intron variant.
Genome position (GRCh38, 1-based): chr12:64,744,990, T>G on the plus strand (A>C on the coding strand, the complement: GNS is on the minus strand). VCF-style: chr12-64744990-T-G. GRCh37 (hg19) VCF-style: chr12-65138770-T-G.
Identifiers: ClinVar variation 4882771 (VCV004882771.2).
Genomic context (GRCh38, chr12:64,744,990, plus strand): 5'-ATTTGTTATGAGGTCAGTGCACAAAGTGGAAGTCTGAATCCGTGCTGGGCTAAACTCTAC[T>G]CTGAGCAGTGATAAGACATTAAAAAGATAATTACTCAAGTCAATACTGAATTGGATTTTT-3'